The following is an entry in ClinVar:

ClinVar aggregate classification (germline): Uncertain significance (1 of 4 stars; one submission).

Allele frequency attached by ClinVar (database versions not stated): ExAC 0.00002; TOPMed 0.00002; gnomAD exomes 0.00003; gnomAD 0.00004 and 0.00005; ESP Exome Variant Server 0.00008.
gnomAD v4.1: 22 of 1,613,984 alleles (0.0014%); highest among the groups gnomAD compares: African/African-American, 0.013%; no homozygotes.

Submission:

Labcorp Genetics (formerly Invitae), Labcorp
Classification: Uncertain significance. Last evaluated: 2022-06-27. Review status: criteria provided, single submitter. Criteria: Invitae Variant Classification Sherloc (09022015). Collection method: clinical testing. Allele origin: germline.
Comment: This sequence change replaces arginine, which is basic and polar, with cysteine, which is neutral and slightly polar, at codon 2544 of the SZT2 protein (p.Arg2544Cys). This variant is present in population databases (rs144920143, gnomAD 0.01%). This variant has not been reported in the literature in individuals affected with SZT2-related conditions. ClinVar contains an entry for this variant (Variation ID: 1046132). Algorithms developed to predict the effect of missense changes on protein structure and function output the following: SIFT: "Deleterious"; PolyPhen-2: "Benign"; Align-GVGD: "Class C15". The cysteine amino acid residue is found in multiple mammalian species, which suggests that this missense change does not adversely affect protein function. In summary, the available evidence is currently insufficient to determine the role of this variant in disease. Therefore, it has been classified as a Variant of Uncertain Significance.

NM_001365999.1(SZT2):c.7801C>T (p.Arg2601Cys)

Gene: SZT2 (SZT2 subunit of KICSTOR complex; plus strand). Cytogenetic location: 1p34.2.
Variant type: single nucleotide variant.
Coding change: c.7801C>T on transcript NM_001365999.1 (MANE Select); coding-DNA position 7801, C replaced by T.
Protein change: p.Arg2601Cys; replaces arginine 2601 with cysteine.
Molecular consequence: missense variant.
Genome position (GRCh38, 1-based): chr1:43,442,058, C>T. VCF-style: chr1-43442058-C-T. GRCh37 (hg19) VCF-style: chr1-43907729-C-T.
Other names: c.7630C>T, p.Arg2544Cys (NM_015284.4); short protein forms R2601C, R2544C.
Identifiers: ClinVar variation 1046132 (VCV001046132.6), dbSNP rs144920143, ClinGen allele CA810342.
Genomic context (GRCh38, chr1:43,442,058, plus strand): 5'-AGGGGTTCAGAGCCAGAGATCTTCGGCCCTTGTTCCCCTGGGCAACTGGGCCCCTCTCCC[C>T]GCCCTGCAGCTGAGCGGCATCTGCTGCTTCTGGGAAGGAACTTCTTGCAGTGGAGGAGAC-3'
Protein context (NP_001352928.1, residues 2591-2611): CSPGQLGPSP[Arg2601Cys]PAAERHLLLL